The following is an entry in ClinVar:

NM_000130.5(F5):c.2813A>C (p.Asn938Thr)

Gene: F5 (coagulation factor V; minus strand). Cytogenetic location: 1q24.2.
Variant type: single nucleotide variant.
Coding change: c.2813A>C on transcript NM_000130.5 (MANE Select); coding-DNA position 2813, A replaced by C.
Protein change: p.Asn938Thr; replaces asparagine 938 with threonine.
Molecular consequence: missense variant.
Genome position (GRCh38, 1-based): chr1:169,542,277, T>G on the plus strand (A>C on the coding strand, the complement: F5 is on the minus strand). VCF-style: chr1-169542277-T-G. GRCh37 (hg19) VCF-style: chr1-169511515-T-G.
Other names: short protein forms N938T.
Identifiers: ClinVar variation 3709652 (VCV003709652.3).
Genomic context (GRCh38, chr1:169,542,277, plus strand): 5'-ATTTCATAGCTACCTTTCTCAGAAGCCAAATGCCATCTCCCAACCAAAATCTTAGATGAG[T>G]TACTTTGTTTTAAGAGTAACAGATCACTAGGAGGGTCCTTCCAGGGCCTCATTCTGGAAG-3'
Protein context (NP_000121.2, residues 928-948): PSDLLLLKQS[Asn938Thr]SSKILVGRWH

ClinVar aggregate classification (germline): Conflicting classifications of pathogenicity. Review status: criteria provided, conflicting classifications (1 of 4 stars). 2 submissions from 2 submitters: Uncertain significance (1); Likely benign (1). Last evaluated 2025-01-30.

Conditions:
Congenital factor V deficiency. Also called: Hereditary factor V deficiency disease; OWREN PARAHEMOPHILIA; PARAHEMOPHILIA; LABILE FACTOR DEFICIENCY. Identifiers: Orphanet 326, MedGen C0015499, MONDO:0009210, OMIM 227400.

gnomAD v4.1: 7 of 1,614,002 alleles (0.00043%); highest among the groups gnomAD compares: Middle Eastern, 0.049%; no homozygotes.

Submissions (2):

Labcorp Genetics (formerly Invitae), Labcorp
Classification: Uncertain significance for Congenital factor V deficiency. Last evaluated: 2025-01-30. Review status: criteria provided, single submitter. Criteria: Invitae Variant Classification Sherloc (09022015). Collection method: clinical testing. Allele origin: germline.
Comment: This sequence change replaces asparagine, which is neutral and polar, with threonine, which is neutral and polar, at codon 938 of the F5 protein (p.Asn938Thr). This variant is present in population databases (no rsID available, gnomAD 0.0009%). This variant has not been reported in the literature in individuals affected with F5-related conditions. Invitae Evidence Modeling of protein sequence and biophysical properties (such as structural, functional, and spatial information, amino acid conservation, physicochemical variation, residue mobility, and thermodynamic stability) indicates that this missense variant is not expected to disrupt F5 protein function with a negative predictive value of 80%. In summary, the available evidence is currently insufficient to determine the role of this variant in disease. Therefore, it has been classified as a Variant of Uncertain Significance.

Blueprint Genetics
Classification: Likely benign. Last evaluated: 2024-06-11. Review status: criteria provided, single submitter. Criteria: ACMG Guidelines, 2015. Collection method: clinical testing. Allele origin: germline.